The following is an entry in ClinVar:

NM_000541.5(SAG):c.737A>C (p.Glu246Ala)

Gene: SAG (S-antigen visual arrestin; plus strand). Cytogenetic location: 2q37.1.
Variant type: single nucleotide variant.
Coding change: c.737A>C on transcript NM_000541.5 (MANE Select); coding-DNA position 737, A replaced by C.
Protein change: p.Glu246Ala; replaces glutamic acid 246 with alanine.
Molecular consequence: missense variant.
Genome position (GRCh38, 1-based): chr2:233,331,643, A>C. VCF-style: chr2-233331643-A-C. GRCh37 (hg19) VCF-style: chr2-234240289-A-C.
Other names: short protein forms E246A.
Identifiers: ClinVar variation 1966645 (VCV001966645.7), dbSNP rs1700765996, ClinGen allele CA351048139.

ClinVar aggregate classification (germline): Uncertain significance. Review status: criteria provided, multiple submitters, no conflicts (2 of 4 stars). 3 submissions from 3 submitters: Uncertain significance (3). Last evaluated 2025-02-27.

Conditions:
Inborn genetic diseases. Identifiers: MedGen C0950123, MeSH D030342.

Allele frequency attached by ClinVar (database versions not stated): TOPMed below 0.00001; gnomAD 0.00001; gnomAD exomes 0.00002.
gnomAD v4.1: 26 of 1,612,524 alleles (0.0016%); highest among the groups gnomAD compares: Non-Finnish European, 0.0022%; no homozygotes.

Submissions (3):

Labcorp Genetics (formerly Invitae), Labcorp
Classification: Uncertain significance. Last evaluated: 2025-02-27. Review status: criteria provided, single submitter. Criteria: Invitae Variant Classification Sherloc (09022015). Collection method: clinical testing. Allele origin: germline.
Comment: This sequence change replaces glutamic acid, which is acidic and polar, with alanine, which is neutral and non-polar, at codon 246 of the SAG protein (p.Glu246Ala). This variant is not present in population databases (gnomAD no frequency). This variant has not been reported in the literature in individuals affected with SAG-related conditions. ClinVar contains an entry for this variant (Variation ID: 1966645). Invitae Evidence Modeling of protein sequence and biophysical properties (such as structural, functional, and spatial information, amino acid conservation, physicochemical variation, residue mobility, and thermodynamic stability) indicates that this missense variant is not expected to disrupt SAG protein function with a negative predictive value of 80%. In summary, the available evidence is currently insufficient to determine the role of this variant in disease. Therefore, it has been classified as a Variant of Uncertain Significance.

Blueprint Genetics
Classification: Uncertain significance. Last evaluated: 2024-09-10. Review status: criteria provided, single submitter. Criteria: ACMG Guidelines, 2015. Collection method: clinical testing. Allele origin: germline.

Ambry Genetics
Classification: Uncertain significance for Inborn genetic diseases. Last evaluated: 2022-11-01. Review status: criteria provided, single submitter. Criteria: Ambry Variant Classification Scheme 2023. Collection method: clinical testing. Allele origin: germline.